The following is an entry in ClinVar:

NM_006231.4(POLE):c.4952+10G>A

Gene: POLE (DNA polymerase epsilon, catalytic subunit; minus strand). Cytogenetic location: 12q24.33.
Variant type: single nucleotide variant.
Coding change: c.4952+10G>A on transcript NM_006231.4 (MANE Select); 10 bases into the intron after coding-DNA position 4952, G replaced by A.
Molecular consequence: intron variant.
Genome position (GRCh38, 1-based): chr12:132,642,496, C>T on the plus strand (G>A on the coding strand, the complement: POLE is on the minus strand). VCF-style: chr12-132642496-C-T. GRCh37 (hg19) VCF-style: chr12-133219082-C-T.
Identifiers: ClinVar variation 391845 (VCV000391845.15), dbSNP rs376828693, ClinGen allele CA6892675.
Genomic context (GRCh38, chr12:132,642,496, plus strand): 5'-GGGTCACAGAGACCACCGAGGCCGGCTCTGCCTGGGGACCACTGGCCCACAACGACAGTA[C>T]TGTGCTCACCTGCTCATCTCGAAGGCCTGCGACAGGCAGGTGTCCAGGTTGAGGTAGTGA-3'

ClinVar aggregate classification (germline): Likely benign. Review status: criteria provided, multiple submitters, no conflicts (2 of 4 stars). 5 submissions from 5 submitters: Likely benign (4). 1 of the submissions does not count toward it. Last evaluated 2026-02-03.

Conditions:
POLE-related polyposis and colorectal cancer syndrome. Identifiers: MedGen CN324030, MONDO:0100287.
POLE-related disorder. Also called: POLE-related disorders; POLE-related condition.

Allele frequency attached by ClinVar (database versions not stated): gnomAD exomes 0.00001 and 0.00004; ExAC 0.00005; ESP Exome Variant Server 0.00008; gnomAD 0.00016 and 0.00018; TOPMed 0.00019.
gnomAD v4.1: 41 of 1,612,698 alleles (0.0025%); highest among the groups gnomAD compares: African/African-American, 0.048%; no homozygotes.

Submissions (5):

Labcorp Genetics (formerly Invitae), Labcorp
Classification: Likely benign. Last evaluated: 2026-02-03. Review status: criteria provided, single submitter. Criteria: Invitae Variant Classification Sherloc (09022015). Collection method: clinical testing. Allele origin: germline.

Department of Pathology and Laboratory Medicine, Sinai Health System
Classification: Likely benign for POLE-related polyposis and colorectal cancer syndrome. Last evaluated: 2024-11-19. Review status: criteria provided, single submitter. Criteria: ACMG Guidelines, 2015. Collection method: clinical testing. Allele origin: germline.

Blueprint Genetics
Classification: Likely benign. Last evaluated: 2022-07-13. Review status: criteria provided, single submitter. Criteria: ACMG Guidelines, 2015. Collection method: clinical testing. Allele origin: germline.

GeneDx
Classification: Likely benign. Last evaluated: 2017-09-12. Review status: criteria provided, single submitter. Criteria: GeneDx Variant Classification (06012015). Collection method: clinical testing. Allele origin: germline. Affected: yes.
Comment: This variant is considered likely benign or benign based on one or more of the following criteria: it is a conservative change, it occurs at a poorly conserved position in the protein, it is predicted to be benign by multiple in silico algorithms, and/or has population frequency not consistent with disease.

PreventionGenetics, part of Exact Sciences
Classification: Likely benign for POLE-related condition. Last evaluated: 2019-10-21. Review status: no assertion criteria provided. Collection method: clinical testing. Allele origin: germline. Not counted in ClinVar's aggregate classification.
Comment: This variant is classified as likely benign based on ACMG/AMP sequence variant interpretation guidelines (Richards et al. 2015 PMID: 25741868, with internal and published modifications).